The following is an entry in ClinVar:

NM_004820.5(CYP7B1):c.854A>G (p.His285Arg)

Gene: CYP7B1 (cytochrome P450 family 7 subfamily B member 1; minus strand). Cytogenetic location: 8q12.3.
Variant type: single nucleotide variant.
Coding change: c.854A>G on transcript NM_004820.5 (MANE Select); coding-DNA position 854, A replaced by G.
Protein change: p.His285Arg; replaces histidine 285 with arginine.
Molecular consequence: missense variant.
Genome position (GRCh38, 1-based): chr8:64,615,229, T>C on the plus strand (A>G on the coding strand, the complement: CYP7B1 is on the minus strand). VCF-style: chr8-64615229-T-C. GRCh37 (hg19) VCF-style: chr8-65527786-T-C.
Other names: c.854A>G, p.His285Arg (NM_001324112.2); short protein forms H285R.
Identifiers: ClinVar variation 1432909 (VCV001432909.6), dbSNP rs750781606, ClinGen allele CA371334807.

ClinVar aggregate classification (germline): Uncertain significance (1 of 4 stars; one submission).

Conditions:
Spastic paraplegia. Identifiers: MedGen C0037772, HP:0001258.

gnomAD v4.1: 1 of 1,612,322 alleles (0.000062%); highest among the groups gnomAD compares: Non-Finnish European, 0.000085%; no homozygotes.

Submission:

Labcorp Genetics (formerly Invitae), Labcorp
Classification: Uncertain significance for Spastic paraplegia. Last evaluated: 2021-12-13. Review status: criteria provided, single submitter. Criteria: Invitae Variant Classification Sherloc (09022015). Collection method: clinical testing. Allele origin: germline.
Comment: Algorithms developed to predict the effect of missense changes on protein structure and function (SIFT, PolyPhen-2, Align-GVGD) all suggest that this variant is likely to be disruptive. This sequence change replaces histidine, which is basic and polar, with arginine, which is basic and polar, at codon 285 of the CYP7B1 protein (p.His285Arg). This variant is not present in population databases (gnomAD no frequency). This missense change has been observed in individual(s) with clinical features of hereditary spastic paraplegia (Invitae). In summary, the available evidence is currently insufficient to determine the role of this variant in disease. Therefore, it has been classified as a Variant of Uncertain Significance.